The following is an entry in ClinVar:

NM_000263.4(NAGLU):c.530G>A (p.Arg177Gln)

Gene: NAGLU (N-acetyl-alpha-glucosaminidase; plus strand). Cytogenetic location: 17q21.2.
Variant type: single nucleotide variant.
Coding change: c.530G>A on transcript NM_000263.4 (MANE Select); coding-DNA position 530, G replaced by A.
Protein change: p.Arg177Gln; replaces arginine 177 with glutamine.
Molecular consequence: missense variant.
Genome position (GRCh38, 1-based): chr17:42,537,544, G>A. VCF-style: chr17-42537544-G-A. GRCh37 (hg19) VCF-style: chr17-40689562-G-A.
Other names: chr17-42537544-G-A; p.Arg177Gln; short protein forms R177Q.
Identifiers: ClinVar variation 1299685 (VCV001299685.7), dbSNP rs1323850779, ClinGen allele CA399598313.

ClinVar aggregate classification (germline): Uncertain significance. Review status: criteria provided, multiple submitters, no conflicts (2 of 4 stars). 3 submissions from 3 submitters: Uncertain significance (3). Last evaluated 2024-10-26.

Conditions:
Charcot-Marie-Tooth disease axonal type 2V. Also called: CHARCOT-MARIE-TOOTH NEUROPATHY, TYPE 2V; CHARCOT-MARIE-TOOTH DISEASE, AXONAL, AUTOSOMAL DOMINANT, TYPE 2V. Identifiers: Orphanet 447964, MedGen C5569050, MONDO:0014665, OMIM 616491.
Mucopolysaccharidosis, MPS-III-B (MPS3B). Also called: MPS IIIB (Sanfilippo Syndrome Type B); N-ACETYL-ALPHA-D-GLUCOSAMINIDASE DEFICIENCY; NAGLU DEFICIENCY; MUCOPOLYSACCHARIDOSIS, TYPE IIIB; Mucopolysaccharidosis type IIIB (Sanfilippo B); SANFILIPPO SYNDROME B. Identifiers: Orphanet 79270, MedGen C0086648, MONDO:0009656, OMIM 252920.

Allele frequency attached by ClinVar (database versions not stated): gnomAD exomes 0.00001; TOPMed 0.00001; gnomAD 0.00001.
gnomAD v4.1: 11 of 1,613,590 alleles (0.00068%); highest among the groups gnomAD compares: Non-Finnish European, 0.00068%; no homozygotes.

Submissions (3):

Labcorp Genetics (formerly Invitae), Labcorp
Classification: Uncertain significance for Charcot-Marie-Tooth disease axonal type 2V; Mucopolysaccharidosis, MPS-III-B. Last evaluated: 2024-10-26. Review status: criteria provided, single submitter. Criteria: Invitae Variant Classification Sherloc (09022015). Collection method: clinical testing. Allele origin: germline.
Comment: This sequence change replaces arginine, which is basic and polar, with glutamine, which is neutral and polar, at codon 177 of the NAGLU protein (p.Arg177Gln). This variant is present in population databases (no rsID available, gnomAD 0.004%). This variant has not been reported in the literature in individuals affected with NAGLU-related conditions. ClinVar contains an entry for this variant (Variation ID: 1299685). An algorithm developed to predict the effect of missense changes on protein structure and function outputs the following: PolyPhen-2: "Benign". The glutamine amino acid residue is found in multiple mammalian species, which suggests that this missense change does not adversely affect protein function. In summary, the available evidence is currently insufficient to determine the role of this variant in disease. Therefore, it has been classified as a Variant of Uncertain Significance.

Fulgent Genetics
Classification: Uncertain significance for Mucopolysaccharidosis, MPS-III-B; Charcot-Marie-Tooth disease axonal type 2V. Last evaluated: 2021-10-18. Review status: criteria provided, single submitter. Criteria: ACMG Guidelines, 2015. Collection method: clinical testing. Allele origin: unknown.

Laboratório de Neurologia Aplicada e Experimental, Faculdade de Medicina de Ribeirao Preto – Universidade de Sao Paulo
Classification: Uncertain significance for Charcot-Marie-Tooth disease axonal type 2V. Last evaluated: 2021-07-20. Review status: criteria provided, single submitter. Criteria: ACMG Guidelines, 2015. Collection method: research. Allele origin: germline. Inheritance: Autosomal dominant inheritance. Affected: yes. Observed: 2 variant alleles, 2 heterozygotes.
Comment: The c.530G>A (p.Arg177Gln) variant in the NAGLU gene has not been described in the literature to our knowledge. Variants in the NAGLU gene responsible for the CMT2 phenotype have been reported in only two families with late dominant painful axonal sensory neuropathy (PMID: 25818867). This variant replaces Arginine with Glutamine at codon 177 of the NAGLU protein that is highly conserved across different species. This substitution occurs in the catalytic domain of the enzyme, which is extremely important for it to be able to exert its enzymatic activity (PMID: 25818867). This variant is present in the GnomAD population database (rs1323850779; 0.01065e-3) at a low frequency, but absent from the ABraOM population database, suggesting it is not a common benign variant in these populations. In summary, the available evidence is insufficient to determine the clinical significance of this variant. Therefore, it has been classified as a variant of uncertain significance (VUS).

Literature cited by the submitters: PubMed 25818867 (cited by Laboratório de Neurologia Aplicada e Experimental, Faculdade de Medicina de Ribeirao Preto – Universidade de Sao Paulo).